The following is an entry in ClinVar:

ClinVar aggregate classification (germline): Uncertain significance (1 of 4 stars; one submission).

Conditions:
Inborn genetic diseases. Identifiers: MedGen C0950123, MeSH D030342.

Submission:

Ambry Genetics
Classification: Uncertain significance for Inborn genetic diseases. Last evaluated: 2026-04-12. Review status: criteria provided, single submitter. Criteria: Ambry Variant Classification Scheme 2023. Collection method: clinical testing. Allele origin: germline.
Comment: The p.T295S variant (also known as c.883A>T), located in coding exon 9 of the ANKRD26 gene, results from an A to T substitution at nucleotide position 883. The threonine at codon 295 is replaced by serine, an amino acid with similar properties. This amino acid position is conserved. In addition, this alteration is predicted to be tolerated by in silico analysis. Based on the available evidence, the clinical significance of this variant remains unclear.

NM_014915.3(ANKRD26):c.883A>T (p.Thr295Ser)

Gene: ANKRD26 (ankyrin repeat domain 26; minus strand). Cytogenetic location: 10p12.1.
Variant type: single nucleotide variant.
Coding change: c.883A>T on transcript NM_014915.3 (MANE Select); coding-DNA position 883, A replaced by T.
Protein change: p.Thr295Ser; replaces threonine 295 with serine.
Molecular consequence: missense variant.
Genome position (GRCh38, 1-based): chr10:27,077,532, T>A on the plus strand (A>T on the coding strand, the complement: ANKRD26 is on the minus strand). VCF-style: chr10-27077532-T-A. GRCh37 (hg19) VCF-style: chr10-27366461-T-A.
Other names: c.883A>T, p.Thr295Ser (NM_001256053.2); short protein forms T295S.
Identifiers: ClinVar variation 4859299 (VCV004859299.1).